The following is an entry in ClinVar:

NM_006031.6(PCNT):c.9800G>A (p.Arg3267His)

Gene: PCNT (pericentrin; plus strand). Cytogenetic location: 21q22.3.
Variant type: single nucleotide variant.
Coding change: c.9800G>A on transcript NM_006031.6 (MANE Select); coding-DNA position 9800, G replaced by A.
Protein change: p.Arg3267His; replaces arginine 3267 with histidine.
Molecular consequence: missense variant.
Genome position (GRCh38, 1-based): chr21:46,443,909, G>A. VCF-style: chr21-46443909-G-A. GRCh37 (hg19) VCF-style: chr21-47863822-G-A.
Other names: c.9800G>A (NM_006031.5); c.9209G>A, p.Arg3070His (NM_001315529.2); short protein forms R3070H, R3267H.
Identifiers: ClinVar variation 1546451 (VCV001546451.11), dbSNP rs200268000, ClinGen allele CA10081477.

ClinVar aggregate classification (germline): Conflicting classifications of pathogenicity. Review status: criteria provided, conflicting classifications (1 of 4 stars). 2 submissions from 2 submitters: Uncertain significance (1); Likely benign (1). Last evaluated 2026-06-04.

Conditions:
PCNT-related disorder. Also called: PCNT-related condition.

Allele frequency attached by ClinVar (database versions not stated): gnomAD exomes 0.00016; ExAC 0.00022; ESP Exome Variant Server 0.00023; 1000 Genomes Project 0.00040; gnomAD 0.00044 and 0.00045; 1000 Genomes Project 30x 0.00047; TOPMed 0.00085.
gnomAD v4.1: 393 of 1,612,578 alleles (0.024%); highest among the groups gnomAD compares: Admixed American, 0.11%; 2 homozygotes.

Submissions (2):

PreventionGenetics, part of Exact Sciences
Classification: Uncertain significance for PCNT-related condition. Last evaluated: 2026-06-04. Review status: criteria provided, single submitter. Criteria: ACMG Guidelines, 2015. Collection method: clinical testing. Allele origin: germline.
Comment: The PCNT c.9800G>A variant is predicted to result in the amino acid substitution p.Arg3267His. To our knowledge, this variant has not been reported in the literature. This variant is reported in 0.020% of alleles in individuals of European (Non-Finnish) descent in gnomAD, including one homozygous individual, which is a higher frequency than expected for an undocumented causative variant. Although we suspect that this variant may be benign, at this time, the clinical significance of this variant is uncertain due to the absence of conclusive functional and genetic evidence.

Labcorp Genetics (formerly Invitae), Labcorp
Classification: Likely benign. Last evaluated: 2026-01-28. Review status: criteria provided, single submitter. Criteria: Invitae Variant Classification Sherloc (09022015). Collection method: clinical testing. Allele origin: germline.